The following is an entry in ClinVar:

ClinVar aggregate classification (germline): Uncertain significance. Review status: criteria provided, multiple submitters, no conflicts (2 of 4 stars). 3 submissions from 3 submitters: Uncertain significance (3). Last evaluated 2025-04-24.

Conditions:
Inborn genetic diseases. Identifiers: MedGen C0950123, MeSH D030342.
Familial hypokalemia-hypomagnesemia (GTLMNS). Also called: HYPOMAGNESEMIA-HYPOKALEMIA, PRIMARY RENOTUBULAR, WITH HYPOCALCIURIA; POTASSIUM AND MAGNESIUM DEPLETION; gitelman syndrome. Identifiers: Orphanet 358, MedGen C0268450, MONDO:0009904, OMIM 263800.

Allele frequency attached by ClinVar (database versions not stated): gnomAD 0.00003.

Submissions (3):

Ambry Genetics
Classification: Uncertain significance for Inborn genetic diseases. Last evaluated: 2025-04-24. Review status: criteria provided, single submitter. Criteria: Ambry Variant Classification Scheme 2023. Collection method: clinical testing. Allele origin: germline.

Labcorp Genetics (formerly Invitae), Labcorp
Classification: Uncertain significance. Last evaluated: 2024-05-07. Review status: criteria provided, single submitter. Criteria: Invitae Variant Classification Sherloc (09022015). Collection method: clinical testing. Allele origin: germline.
Comment: This sequence change replaces methionine, which is neutral and non-polar, with threonine, which is neutral and polar, at codon 942 of the SLC12A3 protein (p.Met942Thr). This variant is present in population databases (no rsID available, gnomAD 0.003%). This variant has not been reported in the literature in individuals affected with SLC12A3-related conditions. Advanced modeling of protein sequence and biophysical properties (such as structural, functional, and spatial information, amino acid conservation, physicochemical variation, residue mobility, and thermodynamic stability) has been performed at Invitae for this missense variant, however the output from this modeling did not meet the statistical confidence thresholds required to predict the impact of this variant on SLC12A3 protein function. In summary, the available evidence is currently insufficient to determine the role of this variant in disease. Therefore, it has been classified as a Variant of Uncertain Significance.

Fulgent Genetics
Classification: Uncertain significance for Familial hypokalemia-hypomagnesemia. Last evaluated: 2024-02-15. Review status: criteria provided, single submitter. Criteria: ACMG Guidelines, 2015. Collection method: clinical testing. Allele origin: germline.

NM_001126108.2(SLC12A3):c.2798T>C (p.Met933Thr)

Gene: SLC12A3 (solute carrier family 12 member 3; plus strand). Cytogenetic location: 16q13.
Variant type: single nucleotide variant.
Coding change: c.2798T>C on transcript NM_001126108.2 (MANE Select); coding-DNA position 2798, T replaced by C.
Protein change: p.Met933Thr; replaces methionine 933 with threonine.
Molecular consequence: missense variant.
Genome position (GRCh38, 1-based): chr16:56,902,450, T>C. VCF-style: chr16-56902450-T-C. GRCh37 (hg19) VCF-style: chr16-56936362-T-C.
Other names: c.2825T>C, p.Met942Thr (NM_000339.3); c.2822T>C, p.Met941Thr (NM_001126107.2); c.2795T>C, p.Met932Thr (NM_001410896.1); c.2825T>C (NM_000339.2); short protein forms M932T, M933T, M941T, M942T.
Identifiers: ClinVar variation 2913709 (VCV002913709.5), dbSNP rs777021735, ClinGen allele CA281519765.